The following is an entry in ClinVar:

NM_002334.4(LRP4):c.3151C>T (p.Leu1051Phe)

Gene: LRP4 (LDL receptor related protein 4; minus strand). Cytogenetic location: 11p11.2.
Variant type: single nucleotide variant.
Coding change: c.3151C>T on transcript NM_002334.4 (MANE Select); coding-DNA position 3151, C replaced by T.
Protein change: p.Leu1051Phe; replaces leucine 1051 with phenylalanine.
Molecular consequence: missense variant.
Genome position (GRCh38, 1-based): chr11:46,877,325, G>A on the plus strand (C>T on the coding strand, the complement: LRP4 is on the minus strand). VCF-style: chr11-46877325-G-A. GRCh37 (hg19) VCF-style: chr11-46898876-G-A.
Other names: short protein forms L1051F.
Identifiers: ClinVar variation 1906181 (VCV001906181.5), dbSNP rs2539734179, ClinGen allele CA380275730.

ClinVar aggregate classification (germline): Uncertain significance (1 of 4 stars; one submission).

Conditions:
Cenani-Lenz syndactyly syndrome. Also called: CENANI SYNDACTYLISM; SYNDACTYLY, TYPE VII. Identifiers: Orphanet 3258, MedGen C1859309, MONDO:0008931, OMIM 212780.
Sclerosteosis 2 (SOST2). Identifiers: Orphanet 3152, MedGen C3280402, MONDO:0013679, OMIM 614305.
Congenital myasthenic syndrome 17. Identifiers: Orphanet 590, MedGen C4225377, MONDO:0014578, OMIM 616304.

Allele frequency attached by ClinVar (database versions not stated): gnomAD exomes below 0.00001.
gnomAD v4.1: 1 of 1,614,106 alleles (0.000062%); highest among the groups gnomAD compares: Non-Finnish European, 0.000085%; no homozygotes.

Submission:

Labcorp Genetics (formerly Invitae), Labcorp
Classification: Uncertain significance for Cenani-Lenz syndactyly syndrome; Sclerosteosis 2; Congenital myasthenic syndrome 17. Last evaluated: 2022-01-16. Review status: criteria provided, single submitter. Criteria: Invitae Variant Classification Sherloc (09022015). Collection method: clinical testing. Allele origin: germline.
Comment: This sequence change replaces leucine, which is neutral and non-polar, with phenylalanine, which is neutral and non-polar, at codon 1051 of the LRP4 protein (p.Leu1051Phe). This variant is not present in population databases (gnomAD no frequency). This variant has not been reported in the literature in individuals affected with LRP4-related conditions. Algorithms developed to predict the effect of missense changes on protein structure and function are either unavailable or do not agree on the potential impact of this missense change (SIFT: "Deleterious"; PolyPhen-2: "Probably Damaging"; Align-GVGD: "Class C15"). In summary, the available evidence is currently insufficient to determine the role of this variant in disease. Therefore, it has been classified as a Variant of Uncertain Significance.